The following is an entry in ClinVar:

ClinVar aggregate classification (germline): Uncertain significance (1 of 4 stars; one submission).

Conditions:
Hereditary cancer-predisposing syndrome. Also called: Neoplastic Syndromes, Hereditary; Hereditary Cancer Syndrome; Hereditary neoplastic syndrome; Tumor predisposition. Identifiers: Orphanet 140162, MedGen C0027672, MeSH D009386, MONDO:0015356.

Submission:

Ambry Genetics
Classification: Uncertain significance for Hereditary cancer-predisposing syndrome. Last evaluated: 2023-03-18. Review status: criteria provided, single submitter. Criteria: Ambry Variant Classification Scheme 2023. Collection method: clinical testing. Allele origin: germline.
Comment: The p.D222Y variant (also known as c.664G>T), located in coding exon 3 of the XRCC2 gene, results from a G to T substitution at nucleotide position 664. The aspartic acid at codon 222 is replaced by tyrosine, an amino acid with highly dissimilar properties. This amino acid position is conserved. In addition, this alteration is predicted to be tolerated by in silico analysis. Since supporting evidence is limited at this time, the clinical significance of this alteration remains unclear.

NM_005431.2(XRCC2):c.664G>T (p.Asp222Tyr)

Gene: XRCC2 (X-ray repair cross complementing 2; minus strand). Cytogenetic location: 7q36.1.
Variant type: single nucleotide variant.
Coding change: c.664G>T on transcript NM_005431.2 (MANE Select); coding-DNA position 664, G replaced by T.
Protein change: p.Asp222Tyr; replaces aspartic acid 222 with tyrosine.
Molecular consequence: missense variant.
Genome position (GRCh38, 1-based): chr7:152,648,821, C>A on the plus strand (G>T on the coding strand, the complement: XRCC2 is on the minus strand). VCF-style: chr7-152648821-C-A. GRCh37 (hg19) VCF-style: chr7-152345906-C-A.
Other names: short protein forms D222Y.
Identifiers: ClinVar variation 2562724 (VCV002562724.2), dbSNP rs2485880630, ClinGen allele CA370198219.